The following is an entry in ClinVar:

NM_007375.4(TARDBP):c.1054A>G (p.Asn352Asp)

Gene: TARDBP (TAR DNA binding protein; plus strand). Cytogenetic location: 1p36.22.
Variant type: single nucleotide variant.
Coding change: c.1054A>G on transcript NM_007375.4 (MANE Select); coding-DNA position 1054, A replaced by G.
Protein change: p.Asn352Asp; replaces asparagine 352 with aspartic acid.
Molecular consequence: missense variant.
Genome position (GRCh38, 1-based): chr1:11,022,463, A>G. VCF-style: chr1-11022463-A-G. GRCh37 (hg19) VCF-style: chr1-11082520-A-G.
Other names: short protein forms N352D.
Identifiers: ClinVar variation 1980676 (VCV001980676.5), dbSNP rs1643659351, ClinGen allele CA338367566.
Genomic context (GRCh38, chr1:11,022,463, plus strand): 5'-AGCAGTTGGGGTATGATGGGCATGTTAGCCAGCCAGCAGAACCAGTCAGGCCCATCGGGT[A>G]ATAACCAAAACCAAGGCAACATGCAGAGGGAGCCAAACCAGGCCTTCGGTTCTGGAAATA-3'
Protein context (NP_031401.1, residues 342-362): SQQNQSGPSG[Asn352Asp]NQNQGNMQRE

ClinVar aggregate classification (germline): Uncertain significance. Review status: criteria provided, multiple submitters, no conflicts (2 of 4 stars). 2 submissions from 2 submitters: Uncertain significance (2). Last evaluated 2024-03-16.

Conditions:
FRONTOTEMPORAL LOBAR DEGENERATION WITH TDP43 INCLUSIONS, TARDBP-RELATED. Also called: Frontotemporal lobar degeneration, TARDBP-related. Identifiers: MedGen C3150169, OMIM 612069.
Amyotrophic lateral sclerosis type 10 (ALS10). Also called: TARDBP-Related Amyotrophic Lateral Sclerosis-Frontotemporal Dementia; Amyotrophic lateral sclerosis 10, with or without FTD; AMYOTROPHIC LATERAL SCLEROSIS 10 WITHOUT FRONTOTEMPORAL DEMENTIA AND WITH TDP43 INCLUSIONS; AMYOTROPHIC LATERAL SCLEROSIS 10 WITH OR WITHOUT FRONTOTEMPORAL DEMENTIA AND WITH TDP43 INCLUSIONS; AMYOTROPHIC LATERAL SCLEROSIS 10 WITH OR WITHOUT FRONTOTEMPORAL DEMENTIA. Identifiers: Orphanet 275872, Orphanet 803, MedGen C2677565, MONDO:0012790, OMIM 612069.
Inborn genetic diseases. Identifiers: MedGen C0950123, MeSH D030342.

Allele frequency attached by ClinVar (database versions not stated): gnomAD exomes below 0.00001; gnomAD 0.00001; TOPMed 0.00001.
gnomAD v4.1: 3 of 1,610,948 alleles (0.00019%); highest among the groups gnomAD compares: Non-Finnish European, 0.00025%; no homozygotes.

Submissions (2):

Labcorp Genetics (formerly Invitae), Labcorp
Classification: Uncertain significance for Amyotrophic lateral sclerosis type 10; FRONTOTEMPORAL LOBAR DEGENERATION WITH TDP43 INCLUSIONS, TARDBP-RELATED. Last evaluated: 2024-03-16. Review status: criteria provided, single submitter. Criteria: Invitae Variant Classification Sherloc (09022015). Collection method: clinical testing. Allele origin: germline.
Comment: This sequence change replaces asparagine, which is neutral and polar, with aspartic acid, which is acidic and polar, at codon 352 of the TARDBP protein (p.Asn352Asp). This variant is not present in population databases (gnomAD no frequency). This variant has not been reported in the literature in individuals affected with TARDBP-related conditions. ClinVar contains an entry for this variant (Variation ID: 1980676). An algorithm developed to predict the effect of missense changes on protein structure and function (PolyPhen-2) suggests that this variant is likely to be tolerated. This variant disrupts the p.Asn352 amino acid residue in TARDBP. Other variant(s) that disrupt this residue have been determined to be pathogenic (PMID: 18779421, 22406069, 23327806, 24117534, 24237396, 24440310). This suggests that this residue is clinically significant, and that variants that disrupt this residue are likely to be disease-causing. In summary, the available evidence is currently insufficient to determine the role of this variant in disease. Therefore, it has been classified as a Variant of Uncertain Significance.

Ambry Genetics
Classification: Uncertain significance for Inborn genetic diseases. Last evaluated: 2023-11-30. Review status: criteria provided, single submitter. Criteria: Ambry Variant Classification Scheme 2023. Collection method: clinical testing. Allele origin: germline.

Literature cited by the submitters: PubMed 18779421 (cited by Labcorp Genetics (formerly Invitae), Labcorp); PubMed 22406069 (cited by Labcorp Genetics (formerly Invitae), Labcorp); PubMed 23327806 (cited by Labcorp Genetics (formerly Invitae), Labcorp); PubMed 24117534 (cited by Labcorp Genetics (formerly Invitae), Labcorp); PubMed 24237396 (cited by Labcorp Genetics (formerly Invitae), Labcorp); PubMed 24440310 (cited by Labcorp Genetics (formerly Invitae), Labcorp).